The following is an entry in ClinVar:

NM_001286.5(CLCN6):c.345A>T (p.Thr115=)

Gene: CLCN6 (chloride voltage-gated channel 6; plus strand). Cytogenetic location: 1p36.22.
Variant type: single nucleotide variant.
Coding change: c.345A>T on transcript NM_001286.5 (MANE Select); coding-DNA position 345, A replaced by T.
Protein change: p.Thr115=; no amino-acid change (threonine 115 retained).
Molecular consequence: synonymous variant. On other transcripts: non-coding transcript variant (1).
Genome position (GRCh38, 1-based): chr1:11,819,553, A>T. VCF-style: chr1-11819553-A-T. GRCh37 (hg19) VCF-style: chr1-11879610-A-T.
Other names: c.279A>T, p.Thr93= (NM_001256959.2).
Identifiers: ClinVar variation 1906470 (VCV001906470.5), dbSNP rs751537921, ClinGen allele CA596006.

ClinVar aggregate classification (germline): Uncertain significance (1 of 4 stars; one submission).

gnomAD v4.1: 3 of 1,613,950 alleles (0.00019%); highest among the groups gnomAD compares: East Asian, 0.0067%; no homozygotes.

Submission:

Labcorp Genetics (formerly Invitae), Labcorp
Classification: Uncertain significance. Last evaluated: 2024-08-08. Review status: criteria provided, single submitter. Criteria: Invitae Variant Classification Sherloc (09022015). Collection method: clinical testing. Allele origin: germline.
Comment: This sequence change affects codon 115 of the CLCN6 mRNA. It is a 'silent' change, meaning that it does not change the encoded amino acid sequence of the CLCN6 protein. It affects a nucleotide within the consensus splice site. This variant is present in population databases (rs751537921, gnomAD 0.02%). This variant has not been reported in the literature in individuals affected with CLCN6-related conditions. ClinVar contains an entry for this variant (Variation ID: 1906470). Algorithms developed to predict the effect of sequence changes on RNA splicing suggest that this variant is not likely to affect RNA splicing. In summary, the available evidence is currently insufficient to determine the role of this variant in disease. Therefore, it has been classified as a Variant of Uncertain Significance.